The following is an entry in ClinVar:

ClinVar aggregate classification (germline): Benign/Likely benign. Review status: criteria provided, multiple submitters, no conflicts (2 of 4 stars). 9 submissions from 8 submitters: Benign (4); Likely benign (4). 1 of the submissions does not count toward it. Last evaluated 2026-02-01.

Conditions:
COL5A1-related disorder. Also called: COL5A1-related condition.
Ehlers-Danlos syndrome, classic type, 1 (EDSCL1). Also called: Ehlers-Danlos syndrome, type 1; EHLERS-DANLOS SYNDROME, GRAVIS TYPE; EHLERS-DANLOS SYNDROME, SEVERE CLASSIC TYPE; Ehlers-Danlos Syndrome, Classic Type, COL5A1-Related; EDS I. Identifiers: MedGen C0268335, MONDO:0019567, OMIM 130000.
Ehlers-Danlos syndrome, classic type (cEDS). Identifiers: Orphanet 287, MedGen C4225429, MONDO:0007522.
Familial thoracic aortic aneurysm and aortic dissection (TAAD). Also called: Thoracic aortic aneurysms and dissections. Identifiers: Orphanet 91387, MedGen C4707243, MONDO:0019625.
Fibromuscular dysplasia, multifocal. Identifiers: MedGen C5543412, MONDO:0859151, OMIM 619329.

Allele frequency attached by ClinVar (database versions not stated): ExAC 0.00007; gnomAD exomes 0.00007; 1000 Genomes Project 0.00020; 1000 Genomes Project 30x 0.00031; ESP Exome Variant Server 0.00031; gnomAD 0.00041 and 0.00044; TOPMed 0.00042.
gnomAD v4.1: 143 of 1,613,924 alleles (0.0089%); highest among the groups gnomAD compares: African/African-American, 0.15%; no homozygotes.

Submissions (9):

Labcorp Genetics (formerly Invitae), Labcorp
Classification: Benign for Ehlers-Danlos syndrome, classic type, 1. Last evaluated: 2026-02-01. Review status: criteria provided, single submitter. Criteria: Invitae Variant Classification Sherloc (09022015). Collection method: clinical testing. Allele origin: germline.

Blueprint Genetics
Classification: Likely benign. Last evaluated: 2024-09-18. Review status: criteria provided, single submitter. Criteria: ACMG Guidelines, 2015. Collection method: clinical testing. Allele origin: germline.

Women's Health and Genetics/Laboratory Corporation of America, LabCorp
Classification: Benign. Last evaluated: 2023-08-24. Review status: criteria provided, single submitter. Criteria: LabCorp Variant Classification Summary - May 2015. Collection method: clinical testing. Allele origin: germline.

Genome-Nilou Lab
Classification: Benign for Ehlers-Danlos syndrome, classic type, 1. Last evaluated: 2022-03-15. Review status: criteria provided, single submitter. Criteria: ACMG Guidelines, 2015. Collection method: clinical testing. Allele origin: germline. Affected: no.

Genome-Nilou Lab
Classification: Benign for Fibromuscular dysplasia, multifocal. Last evaluated: 2022-03-15. Review status: criteria provided, single submitter. Criteria: ACMG Guidelines, 2015. Collection method: clinical testing. Allele origin: germline. Affected: no.

Illumina Laboratory Services, Illumina
Classification: Likely benign for Ehlers-Danlos syndrome, classic type, 1. Last evaluated: 2018-01-12. Review status: criteria provided, single submitter. Criteria: ICSL Variant Classification Criteria 13 December 2019. Collection method: clinical testing. Allele origin: germline.
Comment: This variant was observed in the ICSL laboratory as part of a predisposition screen in an ostensibly healthy population. It had not been previously curated by ICSL or reported in the Human Gene Mutation Database (HGMD: prior to June 1st, 2018), and was therefore a candidate for classification through an automated scoring system. Utilizing variant allele frequency, disease prevalence and penetrance estimates, and inheritance mode, an automated score was calculated to assess if this variant is too frequent to cause the disease. Based on the score and internal cut-off values, a variant classified as likely benign is not then subjected to further curation. The score for this variant resulted in a classification of likely benign for this disease.

GeneDx
Classification: Likely benign. Last evaluated: 2018-01-02. Review status: criteria provided, single submitter. Criteria: GeneDx Variant Classification (06012015). Collection method: clinical testing. Allele origin: germline. Affected: yes.
Comment: This variant is considered likely benign or benign based on one or more of the following criteria: it is a conservative change, it occurs at a poorly conserved position in the protein, it is predicted to be benign by multiple in silico algorithms, and/or has population frequency not consistent with disease.

Ambry Genetics
Classification: Likely benign for Familial thoracic aortic aneurysm and aortic dissection. Last evaluated: 2016-11-08. Review status: criteria provided, single submitter. Criteria: Ambry Variant Classification Scheme 2023. Collection method: clinical testing. Allele origin: germline.

PreventionGenetics, part of Exact Sciences
Classification: Likely benign for COL5A1-related condition. Last evaluated: 2020-12-26. Review status: no assertion criteria provided. Collection method: clinical testing. Allele origin: germline. Not counted in ClinVar's aggregate classification.
Comment: This variant is classified as likely benign based on ACMG/AMP sequence variant interpretation guidelines (Richards et al. 2015 PMID: 25741868, with internal and published modifications).

NM_000093.5(COL5A1):c.2751G>A (p.Pro917=)

Gene: COL5A1 (collagen type V alpha 1 chain; plus strand). Cytogenetic location: 9q34.3.
Variant type: single nucleotide variant.
Coding change: c.2751G>A on transcript NM_000093.5 (MANE Select); coding-DNA position 2751, G replaced by A.
Protein change: p.Pro917=; no amino-acid change (proline 917 retained).
Molecular consequence: synonymous variant.
Genome position (GRCh38, 1-based): chr9:134,795,267, G>A. VCF-style: chr9-134795267-G-A. GRCh37 (hg19) VCF-style: chr9-137687113-G-A.
Other names: c.2751G>A, p.Pro917= (NM_001278074.1).
Identifiers: ClinVar variation 516348 (VCV000516348.24), dbSNP rs200319017, ClinGen allele CA5319576.